The following is an entry in ClinVar:

ClinVar aggregate classification (germline): Uncertain significance (1 of 4 stars; one submission).

Conditions:
Glycine encephalopathy. Also called: Non-ketotic hyperglycinemia; Nonketotic hyperglycinemia. Identifiers: Orphanet 407, MedGen C0751748, MONDO:0011612, HP:0008288.

Allele frequency attached by ClinVar (database versions not stated): gnomAD 0.00001; gnomAD exomes 0.00001; ExAC 0.00002.
gnomAD v4.1: 18 of 1,613,542 alleles (0.0011%); highest among the groups gnomAD compares: South Asian, 0.018%; no homozygotes.

Submission:

Labcorp Genetics (formerly Invitae), Labcorp
Classification: Uncertain significance for Glycine encephalopathy. Last evaluated: 2022-03-20. Review status: criteria provided, single submitter. Criteria: Invitae Variant Classification Sherloc (09022015). Collection method: clinical testing. Allele origin: germline.
Comment: This sequence change replaces valine, which is neutral and non-polar, with alanine, which is neutral and non-polar, at codon 32 of the AMT protein (p.Val32Ala). This variant is present in population databases (rs750654817, gnomAD 0.01%). This variant has not been reported in the literature in individuals affected with AMT-related conditions. Advanced modeling of protein sequence and biophysical properties (such as structural, functional, and spatial information, amino acid conservation, physicochemical variation, residue mobility, and thermodynamic stability) performed at Invitae indicates that this missense variant is not expected to disrupt AMT protein function. Algorithms developed to predict the effect of sequence changes on RNA splicing suggest that this variant may disrupt the consensus splice site. In summary, the available evidence is currently insufficient to determine the role of this variant in disease. Therefore, it has been classified as a Variant of Uncertain Significance.

NM_000481.4(AMT):c.95T>C (p.Val32Ala)

Gene: AMT (aminomethyltransferase; minus strand). Cytogenetic location: 3p21.31.
Variant type: single nucleotide variant.
Coding change: c.95T>C on transcript NM_000481.4 (MANE Select); coding-DNA position 95, T replaced by C.
Protein change: p.Val32Ala; replaces valine 32 with alanine.
Molecular consequence: missense variant. On other transcripts: intron variant (1).
Genome position (GRCh38, 1-based): chr3:49,422,267, A>G on the plus strand (T>C on the coding strand, the complement: AMT is on the minus strand). VCF-style: chr3-49422267-A-G. GRCh37 (hg19) VCF-style: chr3-49459700-A-G.
Other names: c.95T>C, p.Val32Ala (NM_001164710.2, NM_001164712.2); c.90+94T>C (NM_001164711.2); short protein forms V32A.
Identifiers: ClinVar variation 2158644 (VCV002158644.1), dbSNP rs750654817, ClinGen allele CA2398474.